The following is an entry in ClinVar:

NM_001377.3(DYNC2H1):c.7112C>T (p.Thr2371Ile)

Gene: DYNC2H1 (dynein cytoplasmic 2 heavy chain 1; plus strand). Cytogenetic location: 11q22.3.
Variant type: single nucleotide variant.
Coding change: c.7112C>T on transcript NM_001377.3 (MANE Select); coding-DNA position 7112, C replaced by T.
Protein change: p.Thr2371Ile; replaces threonine 2371 with isoleucine.
Molecular consequence: missense variant.
Genome position (GRCh38, 1-based): chr11:103,187,558, C>T. VCF-style: chr11-103187558-C-T. GRCh37 (hg19) VCF-style: chr11-103058287-C-T.
Other names: c.7112C>T, p.Thr2371Ile (NM_001080463.2); short protein forms T2371I.
Identifiers: ClinVar variation 446606 (VCV000446606.5), dbSNP rs1322884865, ClinGen allele CA382252169.

ClinVar aggregate classification (germline): Uncertain significance. Review status: criteria provided, multiple submitters, no conflicts (2 of 4 stars). 4 submissions from 4 submitters: Uncertain significance (2). 2 of the submissions do not count toward it. Last evaluated 2026-03-03.

Conditions:
Asphyxiating thoracic dystrophy 3. Also called: SHORT-RIB THORACIC DYSPLASIA 3 WITH OR WITHOUT POLYDACTYLY; POLYDACTYLY WITH NEONATAL CHONDRODYSTROPHY, TYPE I; SHORT-RIB THORACIC DYSPLASIA 3/6 WITH POLYDACTYLY, DIGENIC; Short rib polydactyly syndrome 2B; Saldino-Noonan Syndrome. Identifiers: Orphanet 474, Orphanet 93269, Orphanet 93270, Orphanet 93271, MedGen C0036069, MONDO:0013127, OMIM 613091.

Allele frequency attached by ClinVar (database versions not stated): gnomAD 0.00001; gnomAD exomes 0.00001; TOPMed 0.00001.
gnomAD v4.1: 13 of 1,612,912 alleles (0.00081%); highest among the groups gnomAD compares: Non-Finnish European, 0.001%; no homozygotes.

Submissions (4):

Women's Health and Genetics/Laboratory Corporation of America, LabCorp
Classification: Uncertain significance. Last evaluated: 2026-03-03. Review status: criteria provided, single submitter. Criteria: LabCorp Variant Classification Summary - May 2015. Collection method: clinical testing. Allele origin: germline.
Comment: Variant summary: DYNC2H1 c.7112C>T (p.Thr2371Ile) results in a non-conservative amino acid change in the encoded protein sequence. Algorithms developed to predict the effect of missense changes on protein structure and function are either unavailable or do not agree on the potential impact of this missense change. The variant allele was found at a frequency of 8.1e-06 in 248338 control chromosomes. c.7112C>T has been observed as a biallelic genotype in two unrelated individuals affected with Short-rib thoracic dysplasia (Zhang_2018). These data indicate that the variant may be associated with disease. To our knowledge, no experimental evidence demonstrating an impact on protein function has been reported. The following publication has been ascertained in the context of this evaluation (PMID: 29068549). ClinVar contains an entry for this variant (Variation ID: 446606). Based on the evidence outlined above, the variant was classified as VUS-possibly pathogenic.

Blueprint Genetics
Classification: Uncertain significance. Last evaluated: 2023-07-04. Review status: criteria provided, single submitter. Criteria: ACMG Guidelines, 2015. Collection method: clinical testing. Allele origin: germline.

Dan Cohn Lab, University Of California Los Angeles
Classification: Pathogenic for Asphyxiating thoracic dystrophy 3. Last evaluated: 2017-06-01. Review status: no assertion criteria provided. Collection method: research. Allele origin: unknown, maternal. Affected: yes. Not counted in ClinVar's aggregate classification.

University of Washington Center for Mendelian Genomics, University of Washington
Classification: Likely pathogenic for Asphyxiating thoracic dystrophy 3. Review status: no assertion criteria provided. Collection method: research. Allele origin: inherited. Affected: yes. Not counted in ClinVar's aggregate classification.

Literature cited by the submitters: PubMed 29068549 (cited by 3 submitters).